The following is an entry in ClinVar:

ClinVar aggregate classification (germline): Uncertain significance (1 of 4 stars; one submission).

Submission:

Labcorp Genetics (formerly Invitae), Labcorp
Classification: Uncertain significance. Last evaluated: 2021-12-19. Review status: criteria provided, single submitter. Criteria: Invitae Variant Classification Sherloc (09022015). Collection method: clinical testing. Allele origin: germline.
Comment: In summary, the available evidence is currently insufficient to determine the role of this variant in disease. Therefore, it has been classified as a Variant of Uncertain Significance. Algorithms developed to predict the effect of sequence changes on RNA splicing suggest that this variant may create or strengthen a splice site. Algorithms developed to predict the effect of missense changes on protein structure and function are either unavailable or do not agree on the potential impact of this missense change (SIFT: "Deleterious"; PolyPhen-2: "Probably Damaging"; Align-GVGD: "Class C0"). This variant has not been reported in the literature in individuals affected with TRPM6-related conditions. This variant is not present in population databases (gnomAD no frequency). This sequence change replaces proline, which is neutral and non-polar, with glutamine, which is neutral and polar, at codon 1951 of the TRPM6 protein (p.Pro1951Gln).

NM_017662.5(TRPM6):c.5852C>A (p.Pro1951Gln)

Gene: TRPM6 (transient receptor potential cation channel subfamily M member 6; minus strand). Cytogenetic location: 9q21.13.
Variant type: single nucleotide variant.
Coding change: c.5852C>A on transcript NM_017662.5 (MANE Select); coding-DNA position 5852, C replaced by A.
Protein change: p.Pro1951Gln; replaces proline 1951 with glutamine.
Molecular consequence: missense variant.
Genome position (GRCh38, 1-based): chr9:74,728,322, G>T on the plus strand (C>A on the coding strand, the complement: TRPM6 is on the minus strand). VCF-style: chr9-74728322-G-T. GRCh37 (hg19) VCF-style: chr9-77343238-G-T.
Other names: c.5837C>A, p.Pro1946Gln (NM_001177310.2, NM_001177311.2); short protein forms P1946Q, P1951Q.
Identifiers: ClinVar variation 2010219 (VCV002010219.4), dbSNP rs143161006, ClinGen allele CA373670424.
Genomic context (GRCh38, chr9:74,728,322, plus strand): 5'-CAGGAGTTACAATGATGTTTTGCAATGAAGTTTCTAATTGCATCTTCCCCCAAATTGGCC[G>T]GTCCAAACACCATTCCTCTTGATCTAGAGGAAATATCAGAATATCAATTAGATCACAGCT-3'
Protein context (NP_060132.3, residues 1941-1961): VKQSRGMVFG[Pro1951Gln]ANLGEDAIRN